The following is an entry in ClinVar:

NM_000179.3(MSH6):c.3837C>A (p.Ser1279Arg)

Gene: MSH6 (mutS homolog 6; plus strand). Cytogenetic location: 2p16.3.
Variant type: single nucleotide variant.
Coding change: c.3837C>A on transcript NM_000179.3 (MANE Select); coding-DNA position 3837, C replaced by A.
Protein change: p.Ser1279Arg; replaces serine 1279 with arginine.
Molecular consequence: missense variant.
Genome position (GRCh38, 1-based): chr2:47,806,487, C>A. VCF-style: chr2-47806487-C-A. GRCh37 (hg19) VCF-style: chr2-48033626-C-A.
Other names: c.3447C>A, p.Ser1149Arg (NM_001281492.2); c.2931C>A, p.Ser977Arg (NM_001281493.2, NM_001281494.2); short protein forms S1279R, S1149R, S977R.
Identifiers: ClinVar variation 824278 (VCV000824278.9), dbSNP rs876661245, ClinGen allele CA346761285.

ClinVar aggregate classification (germline): Uncertain significance. Review status: criteria provided, multiple submitters, no conflicts (2 of 4 stars). 3 submissions from 3 submitters: Uncertain significance (3). Last evaluated 2025-10-13.

Conditions:
Hereditary nonpolyposis colorectal neoplasms. Identifiers: MedGen C0009405, MeSH D003123.
Lynch syndrome. Identifiers: Orphanet 144, MedGen C4552100, MONDO:0005835. Disease mechanism: loss of function.
Hereditary cancer-predisposing syndrome. Also called: Neoplastic Syndromes, Hereditary; Tumor predisposition; Hereditary neoplastic syndrome; Hereditary Cancer Syndrome. Identifiers: Orphanet 140162, MedGen C0027672, MeSH D009386, MONDO:0015356.

Submissions (3):

Labcorp Genetics (formerly Invitae), Labcorp
Classification: Uncertain significance for Hereditary nonpolyposis colorectal neoplasms. Last evaluated: 2025-10-13. Review status: criteria provided, single submitter. Criteria: Invitae Variant Classification Sherloc (09022015). Collection method: clinical testing. Allele origin: germline.
Comment: This sequence change replaces serine, which is neutral and polar, with arginine, which is basic and polar, at codon 1279 of the MSH6 protein (p.Ser1279Arg). This variant is not present in population databases (gnomAD no frequency). This variant has not been reported in the literature in individuals affected with MSH6-related conditions. ClinVar contains an entry for this variant (Variation ID: 824278). Invitae Evidence Modeling of protein sequence and biophysical properties (such as structural, functional, and spatial information, amino acid conservation, physicochemical variation, residue mobility, and thermodynamic stability) indicates that this missense variant is not expected to disrupt MSH6 protein function with a negative predictive value of 95%. In summary, the available evidence is currently insufficient to determine the role of this variant in disease. Therefore, it has been classified as a Variant of Uncertain Significance.

Ambry Genetics
Classification: Uncertain significance for Hereditary cancer-predisposing syndrome. Last evaluated: 2024-09-03. Review status: criteria provided, single submitter. Criteria: Ambry Variant Classification Scheme 2023. Collection method: clinical testing. Allele origin: germline.
Comment: The p.S1279R variant (also known as c.3837C>A), located in coding exon 9 of the MSH6 gene, results from a C to A substitution at nucleotide position 3837. The serine at codon 1279 is replaced by arginine, an amino acid with dissimilar properties. This amino acid position is highly conserved in available vertebrate species. In addition, this alteration is predicted to be deleterious by in silico analysis. Based on the available evidence, the clinical significance of this variant remains unclear.

All of Us Research Program, National Institutes of Health
Classification: Uncertain significance for Lynch syndrome. Last evaluated: 2024-05-14. Review status: criteria provided, single submitter. Criteria: ACMG Guidelines, 2015. Collection method: clinical testing. Allele origin: germline. Inheritance: Autosomal dominant inheritance. Observed: 1 variant allele, 1 heterozygote.
Comment: This missense variant replaces serine with arginine at codon 1279 of the MSH6 protein. Computational prediction is inconclusive regarding the impact of this variant on protein structure and function (internally defined REVEL score threshold 0.5 < inconclusive < 0.7, PMID: 27666373). To our knowledge, functional studies have not been reported for this variant. This variant has not been reported in individuals affected with MSH6-related disorders in the literature. This variant has not been identified in the general population by the Genome Aggregation Database (gnomAD). The available evidence is insufficient to determine the role of this variant in disease conclusively. Therefore, this variant is classified as a Variant of Uncertain Significance.

This study involves interpretation of variants in research participants for the purpose of population health screening. Participant phenotype was not available at the time of variant classification. Additional details can be found in publication PMID: 35346344, PMCID: PMC8962531